The following is an entry in ClinVar:

ClinVar aggregate classification (germline): Pathogenic (1 of 4 stars; one submission).

Submission:

CeGaT Center for Human Genetics Tuebingen
Classification: Pathogenic. Last evaluated: 2026-04-01. Review status: criteria provided, single submitter. Criteria: CeGaT Center For Human Genetics Tuebingen Variant Classification Criteria Version 2. Collection method: clinical testing. Allele origin: germline. Affected: yes. Observed: 1 variant allele.
Comment: COL18A1: PVS1, PM2

NM_001379500.1(COL18A1):c.651+1G>C

Gene: COL18A1 (collagen type XVIII alpha 1 chain; plus strand). Cytogenetic location: 21q22.3.
Variant type: single nucleotide variant.
Coding change: c.651+1G>C on transcript NM_001379500.1 (MANE Select); the canonical splice donor site of the intron after coding-DNA position 651, G replaced by C.
Molecular consequence: splice donor variant.
Genome position (GRCh38, 1-based): chr21:45,468,787, G>C. VCF-style: chr21-45468787-G-C. GRCh37 (hg19) VCF-style: chr21-46888701-G-C.
Other names: c.1896+1G>C (NM_130444.3); c.1191+1G>C (NM_030582.4).
Identifiers: ClinVar variation 4874555 (VCV004874555.2).